The following is an entry in ClinVar:

ClinVar aggregate classification (germline): Uncertain significance (1 of 4 stars; one submission).

Submission:

Labcorp Genetics (formerly Invitae), Labcorp
Classification: Uncertain significance. Last evaluated: 2020-06-30. Review status: criteria provided, single submitter. Criteria: Invitae Variant Classification Sherloc (09022015). Collection method: clinical testing. Allele origin: germline.
Comment: This sequence change falls in intron 2 of the SMARCB1 gene. It does not directly change the encoded amino acid sequence of the SMARCB1 protein, but it affects a nucleotide within the consensus splice site of the intron. This variant is not present in population databases (ExAC no frequency). This variant has not been reported in the literature in individuals with SMARCB1-related conditions. Nucleotide substitutions within the consensus splice site are a relatively common cause of aberrant splicing (PMID: 17576681, 9536098). Algorithms developed to predict the effect of sequence changes on RNA splicing suggest that this variant may disrupt the consensus splice site, but this prediction has not been confirmed by published transcriptional studies. In summary, the available evidence is currently insufficient to determine the role of this variant in disease. Therefore, it has been classified as a Variant of Uncertain Significance.

Literature cited by the submitters: PubMed 17576681; PubMed 9536098.

NM_003073.5(SMARCB1):c.233-5del

Gene: SMARCB1 (SWI/SNF related BAF chromatin remodeling complex subunit B1; plus strand). Cytogenetic location: 22q11.23.
Variant type: Deletion.
Coding change: c.233-5del on transcript NM_003073.5 (MANE Select); 5 bases into the intron before coding-DNA position 233, one base deleted (T; older notation c.233-5delT).
Molecular consequence: intron variant.
Genome position (GRCh38, 1-based): chr22:23,793,554, T deleted; the last of 2 consecutive T bases (chr22:23,793,553-23,793,554); deleting either gives the same sequence. VCF-style (leftmost placement, unchanged base first): chr22-23793552-GT-G. GRCh37 (hg19) VCF-style: chr22-24135739-GT-G.
Other names: c.233-5del (NM_001362877.2); c.206-5del (NM_001317946.2, NM_001007468.3).
Identifiers: ClinVar variation 1019071 (VCV001019071.8), dbSNP rs1928537133, ClinGen allele CA2397961322.
Genomic context (GRCh38, chr22:23,793,552, plus strand): 5'-CCACTTGGCTGGCTGCTGTGTGCCACCGCCACCAGCAGAGTGACCCAGTGATGTTTGTCT[GT>G]TACAGATCACGGATACACGACTCTAGCCACCAGTGTGACCCTGTTAAAAGCCTCGGAAGT-3'